The following is an entry in ClinVar:

NM_019851.3(FGF20):c.261C>G (p.Gly87=)

Gene: FGF20 (fibroblast growth factor 20; minus strand). Cytogenetic location: 8p22.
Variant type: single nucleotide variant.
Coding change: c.261C>G on transcript NM_019851.3 (MANE Select); coding-DNA position 261, C replaced by G.
Protein change: p.Gly87=; no amino-acid change (glycine 87 retained).
Molecular consequence: synonymous variant.
Genome position (GRCh38, 1-based): chr8:17,001,772, G>C on the plus strand (C>G on the coding strand, the complement: FGF20 is on the minus strand). VCF-style: chr8-17001772-G-C. GRCh37 (hg19) VCF-style: chr8-16859281-G-C.
Identifiers: ClinVar variation 3033215 (VCV003033215.2), dbSNP rs1443350894, ClinGen allele CA459634907.
Genomic context (GRCh38, chr8:17,001,772, plus strand): 5'-GCAGATGGGGGTGGGGTCGGGATGCTAGTACGTACCGAAGAGGCTGTGGTCCTGCCGGGT[G>C]CCCTGCACGCTGCCGTCGGGCAGGATCTGCAGGTGGAAGCCGGTGCGGCAATAGAGCTGC-3'
Protein context (NP_062825.1, residues 77-97): LQILPDGSVQ[Gly87=]TRQDHSLFGI

ClinVar aggregate classification (germline): Likely benign (0 of 4 stars; one submission).

Conditions:
FGF20-related disorder. Also called: FGF20-related condition.

Submission:

PreventionGenetics, part of Exact Sciences
Classification: Likely benign for FGF20-related condition. Last evaluated: 2021-10-04. Review status: no assertion criteria provided. Collection method: clinical testing. Allele origin: germline.
Comment: This variant is classified as likely benign based on ACMG/AMP sequence variant interpretation guidelines (Richards et al. 2015 PMID: 25741868, with internal and published modifications).